The following is an entry in ClinVar:

NM_001378778.1(MPDZ):c.5033T>C (p.Leu1678Ser)

Gene: MPDZ (multiple PDZ domain crumbs cell polarity complex component; minus strand). Cytogenetic location: 9p23.
Variant type: single nucleotide variant.
Coding change: c.5033T>C on transcript NM_001378778.1 (MANE Select); coding-DNA position 5033, T replaced by C.
Protein change: p.Leu1678Ser; replaces leucine 1678 with serine.
Molecular consequence: missense variant.
Genome position (GRCh38, 1-based): chr9:13,122,091, A>G on the plus strand (T>C on the coding strand, the complement: MPDZ is on the minus strand). VCF-style: chr9-13122091-A-G. GRCh37 (hg19) VCF-style: chr9-13122090-A-G.
Other names: c.4934T>C, p.Leu1645Ser (NM_001261406.2, NM_001261407.2, NM_001375416.1 and 3 more transcripts); c.5033T>C, p.Leu1678Ser (NM_001330637.2, NM_003829.5); c.5132T>C, p.Leu1711Ser (NM_001375413.1); c.4823T>C, p.Leu1608Ser (NM_001375420.1, NM_001375421.1, NM_001375422.1 and 4 more transcripts); c.4625T>C, p.Leu1542Ser (NM_001375427.1); short protein forms L1608S, L1678S, L1542S, L1645S, L1711S.
Identifiers: ClinVar variation 1393505 (VCV001393505.6), dbSNP rs753311487, ClinGen allele CA4986479.

ClinVar aggregate classification (germline): Uncertain significance (1 of 4 stars; one submission).

Allele frequency attached by ClinVar (database versions not stated): gnomAD exomes below 0.00001; ExAC 0.00001.
gnomAD v4.1: 1 of 1,613,934 alleles (0.000062%); highest among the groups gnomAD compares: Admixed American, 0.0017%; no homozygotes.

Submission:

Labcorp Genetics (formerly Invitae), Labcorp
Classification: Uncertain significance. Last evaluated: 2022-09-07. Review status: criteria provided, single submitter. Criteria: Invitae Variant Classification Sherloc (09022015). Collection method: clinical testing. Allele origin: germline.
Comment: This variant is present in population databases (rs753311487, gnomAD 0.003%). In summary, the available evidence is currently insufficient to determine the role of this variant in disease. Therefore, it has been classified as a Variant of Uncertain Significance. Algorithms developed to predict the effect of missense changes on protein structure and function (SIFT, PolyPhen-2, Align-GVGD) all suggest that this variant is likely to be disruptive. ClinVar contains an entry for this variant (Variation ID: 1393505). This variant has not been reported in the literature in individuals affected with MPDZ-related conditions. This sequence change replaces leucine, which is neutral and non-polar, with serine, which is neutral and polar, at codon 1678 of the MPDZ protein (p.Leu1678Ser).